The following is an entry in ClinVar:

NM_001440.4(EXTL3):c.1979G>A (p.Arg660Gln)

Gene: EXTL3 (exostosin like glycosyltransferase 3; plus strand). Cytogenetic location: 8p21.1.
Variant type: single nucleotide variant.
Coding change: c.1979G>A on transcript NM_001440.4 (MANE Select); coding-DNA position 1979, G replaced by A.
Protein change: p.Arg660Gln; replaces arginine 660 with glutamine.
Molecular consequence: missense variant.
Genome position (GRCh38, 1-based): chr8:28,718,038, G>A. VCF-style: chr8-28718038-G-A. GRCh37 (hg19) VCF-style: chr8-28575555-G-A.
Other names: c.1979G>A (NM_001440.2); short protein forms R660Q.
Identifiers: ClinVar variation 3774547 (VCV003774547.2).
Genomic context (GRCh38, chr8:28,718,038, plus strand): 5'-GTGGTGGAGCTGGGGGTTCTGGCAAGGAATTTCAGGCAGCGCTTGGAGGCAATGTTCCCC[G>A]AGAGCAGTTCACGGTGGTGATGTTGACTTATGAGCGGGAGGAAGTGCTTATGAACTCTTT-3'
Protein context (NP_001431.1, residues 650-670): FQAALGGNVP[Arg660Gln]EQFTVVMLTY

ClinVar aggregate classification (germline): Uncertain significance. Review status: criteria provided, multiple submitters, no conflicts (2 of 4 stars). 2 submissions from 2 submitters: Uncertain significance (2). Last evaluated 2025-06-30.

Conditions:
Familial meningioma. Also called: Meningioma, familial, susceptibility to. Identifiers: Orphanet 263662, MedGen C3551915, MONDO:0011789, OMIM 607174.
Inborn genetic diseases. Identifiers: MedGen C0950123, MeSH D030342.

gnomAD v4.1: 11 of 1,613,958 alleles (0.00068%); highest among the groups gnomAD compares: East Asian, 0.0022%; no homozygotes.

Submissions (2):

Ambry Genetics
Classification: Uncertain significance for Inborn genetic diseases. Last evaluated: 2025-06-30. Review status: criteria provided, single submitter. Criteria: Ambry Variant Classification Scheme 2023. Collection method: clinical testing. Allele origin: germline.

Dr. Guy Rouleau's laboratory, McGill University
Classification: Uncertain significance for Familial meningioma. Last evaluated: 2025-03-22. Review status: criteria provided, single submitter. Criteria: ACMG Guidelines, 2015. Collection method: research. Allele origin: germline. Affected: yes.
Comment: This missense variant located at the position 660, is change from an Arginine (R), basic amino acid to Glutamine (Q) neutral and polar amino acid in EXTL3 gene. This variant has been reported in population database (gnomAD v2.1.1 allele frequency=0.00003188, genome coverage 30X). Based on the available evidence, the clinical significance of this variant is unknown.